The following is an entry in ClinVar:

ClinVar aggregate classification (germline): Uncertain significance. Review status: criteria provided, multiple submitters, no conflicts (2 of 4 stars). 2 submissions from 2 submitters: Uncertain significance (2). Last evaluated 2024-05-07.

Conditions:
Inborn genetic diseases. Identifiers: MedGen C0950123, MeSH D030342.
X-linked immunodeficiency with magnesium defect, Epstein-Barr virus infection and neoplasia. Identifiers: Orphanet 317476, MedGen C3275445, MONDO:0010455, OMIM 300853.

Allele frequency attached by ClinVar (database versions not stated): gnomAD exomes below 0.00001; ExAC 0.00001.

Submissions (2):

Labcorp Genetics (formerly Invitae), Labcorp
Classification: Uncertain significance for X-linked immunodeficiency with magnesium defect, Epstein-Barr virus infection and neoplasia. Last evaluated: 2024-05-07. Review status: criteria provided, single submitter. Criteria: Invitae Variant Classification Sherloc (09022015). Collection method: clinical testing. Allele origin: germline.
Comment: This sequence change replaces valine, which is neutral and non-polar, with isoleucine, which is neutral and non-polar, at codon 108 of the MAGT1 protein (p.Val108Ile). This variant is present in population databases (rs782105148, gnomAD 0.001%), including at least one homozygous and/or hemizygous individual. This variant has not been reported in the literature in individuals affected with MAGT1-related conditions. ClinVar contains an entry for this variant (Variation ID: 2470805). Advanced modeling of protein sequence and biophysical properties (such as structural, functional, and spatial information, amino acid conservation, physicochemical variation, residue mobility, and thermodynamic stability) performed at Invitae indicates that this missense variant is not expected to disrupt MAGT1 protein function with a negative predictive value of 80%. In summary, the available evidence is currently insufficient to determine the role of this variant in disease. Therefore, it has been classified as a Variant of Uncertain Significance.

Ambry Genetics
Classification: Uncertain significance for Inborn genetic diseases. Last evaluated: 2023-03-06. Review status: criteria provided, single submitter. Criteria: Ambry Variant Classification Scheme 2023. Collection method: clinical testing. Allele origin: germline.

NM_001367916.1(MAGT1):c.226G>A (p.Val76Ile)

Gene: MAGT1 (magnesium transporter 1; minus strand). Cytogenetic location: Xq21.1.
Variant type: single nucleotide variant.
Coding change: c.226G>A on transcript NM_001367916.1 (MANE Select); coding-DNA position 226, G replaced by A.
Protein change: p.Val76Ile; replaces valine 76 with isoleucine.
Molecular consequence: missense variant.
Genome position (GRCh38, 1-based): chrX:77,875,474, C>T on the plus strand (G>A on the coding strand, the complement: MAGT1 is on the minus strand). VCF-style: chrX-77875474-C-T. GRCh37 (hg19) VCF-style: chrX-77130971-C-T.
Other names: c.322G>A, p.Val108Ile (NM_032121.5); short protein forms V76I, V108I.
Identifiers: ClinVar variation 2470805 (VCV002470805.4), dbSNP rs782105148, ClinGen allele CA10458576.
Genomic context (GRCh38, chrX:77,875,474, plus strand): 5'-GTTGGAGTTCATACTTGCAAACGACACACTGTCTATGCAGTTGGAGAGCAGTGAACATGA[C>T]GATAACGGAGTAATTTCTCGGTGGGGCTTTCACAAGGCGACGGAACTTGTCTCCATTCAT-3'
Protein context (NP_001354845.1, residues 66-86): KAPPRNYSVI[Val76Ile]MFTALQLHRQ